The following is an entry in ClinVar:

ClinVar aggregate classification (germline): Uncertain significance. Review status: criteria provided, multiple submitters, no conflicts (2 of 4 stars). 3 submissions from 3 submitters: Uncertain significance (3). Last evaluated 2024-08-21.

Conditions:
Familial thoracic aortic aneurysm and aortic dissection (TAAD). Also called: Thoracic aortic aneurysms and dissections. Identifiers: Orphanet 91387, MedGen C4707243, MONDO:0019625.
Aortic aneurysm, familial thoracic 7 (AAT7). Also called: AORTIC DISSECTION, FAMILIAL, WITH OR WITHOUT AORTIC ANEURYSM. Identifiers: MedGen C3151077, MONDO:0013418, OMIM 613780.

Allele frequency attached by ClinVar (database versions not stated): gnomAD exomes 0.00001; ExAC 0.00003; gnomAD 0.00005; 1000 Genomes Project 30x 0.00016; 1000 Genomes Project 0.00020.

Submissions (3):

Labcorp Genetics (formerly Invitae), Labcorp
Classification: Uncertain significance for Aortic aneurysm, familial thoracic 7. Last evaluated: 2024-08-21. Review status: criteria provided, single submitter. Criteria: Invitae Variant Classification Sherloc (09022015). Collection method: clinical testing. Allele origin: germline.
Comment: This sequence change replaces arginine, which is basic and polar, with glutamine, which is neutral and polar, at codon 57 of the MYLK protein (p.Arg57Gln). This variant is present in population databases (rs150006791, gnomAD 0.02%). This variant has not been reported in the literature in individuals affected with MYLK-related conditions. ClinVar contains an entry for this variant (Variation ID: 2567242). Invitae Evidence Modeling of protein sequence and biophysical properties (such as structural, functional, and spatial information, amino acid conservation, physicochemical variation, residue mobility, and thermodynamic stability) indicates that this missense variant is not expected to disrupt MYLK protein function with a negative predictive value of 95%. In summary, the available evidence is currently insufficient to determine the role of this variant in disease. Therefore, it has been classified as a Variant of Uncertain Significance.

GeneDx
Classification: Uncertain significance. Last evaluated: 2024-06-05. Review status: criteria provided, single submitter. Criteria: GeneDx Variant Classification Process June 2021. Collection method: clinical testing. Allele origin: germline. Affected: yes.
Comment: Has not been previously published as pathogenic or benign to our knowledge; In silico analysis indicates that this missense variant does not alter protein structure/function; In silico analysis suggests this variant may impact gene splicing. In the absence of RNA/functional studies, the actual effect of this sequence change is unknown.

Ambry Genetics
Classification: Uncertain significance for Familial thoracic aortic aneurysm and aortic dissection. Last evaluated: 2023-06-16. Review status: criteria provided, single submitter. Criteria: Ambry Variant Classification Scheme 2023. Collection method: clinical testing. Allele origin: germline.

NM_053025.4(MYLK):c.170G>A (p.Arg57Gln)

Gene: MYLK (myosin light chain kinase; minus strand). Cytogenetic location: 3q21.1.
Variant type: single nucleotide variant.
Coding change: c.170G>A on transcript NM_053025.4 (MANE Select); coding-DNA position 170, G replaced by A.
Protein change: p.Arg57Gln; replaces arginine 57 with glutamine.
Molecular consequence: missense variant. On other transcripts: intron variant (1).
Genome position (GRCh38, 1-based): chr3:123,752,534, C>T on the plus strand (G>A on the coding strand, the complement: MYLK is on the minus strand). VCF-style: chr3-123752534-C-T. GRCh37 (hg19) VCF-style: chr3-123471381-C-T.
Other names: c.170G>A, p.Arg57Gln (NM_053026.4, NM_053027.4, NM_053028.4); c.-155-12533G>A (NM_001321309.2); short protein forms R57Q.
Identifiers: ClinVar variation 2567242 (VCV002567242.5), dbSNP rs150006791, ClinGen allele CA067781.